The following is an entry in ClinVar:

ClinVar aggregate classification (germline): Uncertain significance (1 of 4 stars; one submission).

Conditions:
Hereditary cancer-predisposing syndrome. Also called: Hereditary Cancer Syndrome; Hereditary neoplastic syndrome; Neoplastic Syndromes, Hereditary; Tumor predisposition. Identifiers: Orphanet 140162, MedGen C0027672, MeSH D009386, MONDO:0015356.

Submission:

Ambry Genetics
Classification: Uncertain significance for Hereditary cancer-predisposing syndrome. Last evaluated: 2022-03-23. Review status: criteria provided, single submitter. Criteria: Ambry Variant Classification Scheme 2023. Collection method: clinical testing. Allele origin: germline.
Comment: The p.A334G variant (also known as c.1001C>G), located in coding exon 8 of the SDHA gene, results from a C to G substitution at nucleotide position 1001. The alanine at codon 334 is replaced by glycine, an amino acid with similar properties. This amino acid position is conserved. In addition, the in silico prediction for this alteration is inconclusive. Since supporting evidence is limited at this time, the clinical significance of this alteration remains unclear.

NM_004168.4(SDHA):c.1001C>G (p.Ala334Gly)

Gene: SDHA (succinate dehydrogenase complex flavoprotein subunit A; plus strand). Cytogenetic location: 5p15.33.
Variant type: single nucleotide variant.
Coding change: c.1001C>G on transcript NM_004168.4 (MANE Select); coding-DNA position 1001, C replaced by G.
Protein change: p.Ala334Gly; replaces alanine 334 with glycine.
Molecular consequence: missense variant.
Genome position (GRCh38, 1-based): chr5:233,582, C>G. VCF-style: chr5-233582-C-G. GRCh37 (hg19) VCF-style: chr5-233697-C-G.
Other names: c.857C>G, p.Ala286Gly (NM_001294332.2); c.1001C>G, p.Ala334Gly (NM_001330758.2); short protein forms A286G, A334G.
Identifiers: ClinVar variation 1768985 (VCV001768985.2), dbSNP rs765180271, ClinGen allele CA359012823.
Genomic context (GRCh38, chr5:233,582, plus strand): 5'-AGGGAGGCATTCTCATTAACAGTCAAGGCGAAAGGTTTATGGAGCGATACGCCCCTGTCG[C>G]GAAGGACCTGGCGTCTAGAGATGTGGTGTCTCGGTCCATGACTCTGGAGATCCGAGAAGG-3'
Protein context (NP_004159.2, residues 324-344): ERFMERYAPV[Ala334Gly]KDLASRDVVS